The following is an entry in ClinVar:

ClinVar aggregate classification (germline): Uncertain significance (1 of 4 stars; one submission).

Submission:

Labcorp Genetics (formerly Invitae), Labcorp
Classification: Uncertain significance. Last evaluated: 2025-06-22. Review status: criteria provided, single submitter. Criteria: Invitae Variant Classification Sherloc (09022015). Collection method: clinical testing. Allele origin: germline.
Comment: This sequence change replaces aspartic acid, which is acidic and polar, with histidine, which is basic and polar, at codon 1939 of the POLE protein (p.Asp1939His). This variant is not present in population databases (gnomAD no frequency). This variant has not been reported in the literature in individuals affected with POLE-related conditions. An algorithm developed to predict the effect of missense changes on protein structure and function (PolyPhen-2) suggests that this variant is likely to be tolerated. In summary, the available evidence is currently insufficient to determine the role of this variant in disease. Therefore, it has been classified as a Variant of Uncertain Significance.

NM_006231.4(POLE):c.5815G>C (p.Asp1939His)

Gene: POLE (DNA polymerase epsilon, catalytic subunit; minus strand). Cytogenetic location: 12q24.33.
Variant type: single nucleotide variant.
Coding change: c.5815G>C on transcript NM_006231.4 (MANE Select); coding-DNA position 5815, G replaced by C.
Protein change: p.Asp1939His; replaces aspartic acid 1939 with histidine.
Molecular consequence: missense variant.
Genome position (GRCh38, 1-based): chr12:132,634,375, C>G on the plus strand (G>C on the coding strand, the complement: POLE is on the minus strand). VCF-style: chr12-132634375-C-G. GRCh37 (hg19) VCF-style: chr12-133210961-C-G.
Other names: short protein forms D1939H.
Identifiers: ClinVar variation 4721817 (VCV004721817.1).